The following is an entry in ClinVar:

NM_152641.4(ARID2):c.3002C>T (p.Pro1001Leu)

Gene: ARID2 (AT-rich interaction domain 2; plus strand). Cytogenetic location: 12q12.
Variant type: single nucleotide variant.
Coding change: c.3002C>T on transcript NM_152641.4 (MANE Select); coding-DNA position 3002, C replaced by T.
Protein change: p.Pro1001Leu; replaces proline 1001 with leucine.
Molecular consequence: missense variant.
Genome position (GRCh38, 1-based): chr12:45,851,125, C>T. VCF-style: chr12-45851125-C-T. GRCh37 (hg19) VCF-style: chr12-46244908-C-T.
Other names: c.3002C>T, p.Pro1001Leu (NM_001347839.2); short protein forms P1001L.
Identifiers: ClinVar variation 2580538 (VCV002580538.2), dbSNP rs1943541023, ClinGen allele CA384481745.

ClinVar aggregate classification (germline): Uncertain significance (1 of 4 stars; one submission).

Allele frequency attached by ClinVar (database versions not stated): gnomAD exomes below 0.00001; TOPMed 0.00001.
gnomAD v4.1: 1 of 1,614,076 alleles (0.000062%); highest among the groups gnomAD compares: Non-Finnish European, 0.000085%; no homozygotes.

Submission:

GeneDx
Classification: Uncertain significance. Last evaluated: 2026-01-21. Review status: criteria provided, single submitter. Criteria: GeneDx Variant Classification Process June 2021. Collection method: clinical testing. Allele origin: germline.
Comment: Not observed at significant frequency in large population cohorts (gnomAD); In silico analysis supports that this missense variant does not alter protein structure/function; Has not been previously published as pathogenic or benign to our knowledge